The following is an entry in ClinVar:

NM_001194998.2(CEP152):c.2959C>T (p.Arg987Ter)

Gene: CEP152 (centrosomal protein 152; minus strand). Cytogenetic location: 15q21.1.
Variant type: single nucleotide variant.
Coding change: c.2959C>T on transcript NM_001194998.2 (MANE Select); coding-DNA position 2959, C replaced by T.
Protein change: p.Arg987Ter; replaces arginine 987 with a stop codon.
Molecular consequence: nonsense.
Genome position (GRCh38, 1-based): chr15:48,756,289, G>A on the plus strand (C>T on the coding strand, the complement: CEP152 is on the minus strand). VCF-style: chr15-48756289-G-A. GRCh37 (hg19) VCF-style: chr15-49048486-G-A.
Other names: c.2959C>T, p.Arg987Ter (NM_014985.4); short protein forms R987*.
Identifiers: ClinVar variation 56 (VCV000000056.31), dbSNP rs267606718, ClinGen allele CA210938.

ClinVar aggregate classification (germline): Pathogenic/Likely pathogenic. Review status: criteria provided, multiple submitters, no conflicts (2 of 4 stars). 4 submissions from 4 submitters: Pathogenic (2); Likely pathogenic (1). 1 of the submissions does not count toward it. Last evaluated 2023-10-01.

Conditions:
Microcephaly 9, primary, autosomal recessive. Identifiers: Orphanet 2512, MedGen C3553886, MONDO:0013923, OMIM 614852.

Allele frequency attached by ClinVar (database versions not stated): TOPMed below 0.00001; gnomAD 0.00003.
gnomAD v4.1: 17 of 1,576,606 alleles (0.0011%); highest among the groups gnomAD compares: African/African-American, 0.0027%; no homozygotes.

Submissions (4):

CeGaT Center for Human Genetics Tuebingen
Classification: Pathogenic. Last evaluated: 2023-10-01. Review status: criteria provided, single submitter. Criteria: CeGaT Center For Human Genetics Tuebingen Variant Classification Criteria Version 2. Collection method: clinical testing. Allele origin: germline. Affected: yes. Observed: 1 variant allele.
Comment: CEP152: PVS1, PM2

Labcorp Genetics (formerly Invitae), Labcorp
Classification: Pathogenic. Last evaluated: 2023-09-09. Review status: criteria provided, single submitter. Criteria: Invitae Variant Classification Sherloc (09022015). Collection method: clinical testing. Allele origin: germline.
Comment: For these reasons, this variant has been classified as Pathogenic. ClinVar contains an entry for this variant (Variation ID: 56). This premature translational stop signal has been observed in individual(s) with CEP152-related conditions (PMID: 20598275). This variant is present in population databases (rs267606718, gnomAD 0.004%). This sequence change creates a premature translational stop signal (p.Arg987*) in the CEP152 gene. It is expected to result in an absent or disrupted protein product. Loss-of-function variants in CEP152 are known to be pathogenic (PMID: 21131973).

Child Neurology Department, Hôpital Universitaire de Bruxelles
Classification: Likely pathogenic for Microcephaly 9, primary, autosomal recessive. Review status: criteria provided, single submitter. Criteria: ACMG Guidelines, 2015. Collection method: clinical testing. Allele origin: maternal. Affected: yes.

OMIM
Classification: Pathogenic for MICROCEPHALY 9, PRIMARY, AUTOSOMAL RECESSIVE. Last evaluated: 2010-07-09. Review status: no assertion criteria provided. Collection method: literature only. Allele origin: germline. Not counted in ClinVar's aggregate classification.

Literature cited by the submitters: PubMed 20598275 (cited by 3 submitters); PubMed 21131973 (cited by Labcorp Genetics (formerly Invitae), Labcorp).